The following is an entry in ClinVar:

ClinVar aggregate classification (germline): Uncertain significance (1 of 4 stars; one submission).

Conditions:
Inborn genetic diseases. Identifiers: MedGen C0950123, MeSH D030342.

gnomAD v4.1: 5 of 1,534,012 alleles (0.00033%); highest among the groups gnomAD compares: African/African-American, 0.0072%; no homozygotes.

Submission:

Ambry Genetics
Classification: Uncertain significance for Inborn genetic diseases. Last evaluated: 2026-04-23. Review status: criteria provided, single submitter. Criteria: Ambry Variant Classification Scheme 2023. Collection method: clinical testing. Allele origin: germline.
Comment: The c.4476A>C (p.Q1492H) alteration is located in exon 27 (coding exon 26) of the HECW2 gene. This alteration results from a A to C substitution at nucleotide position 4476, causing the glutamine (Q) at amino acid position 1492 to be replaced by a histidine (H). Based on data from gnomAD, the C allele has an overall frequency of <0.001% (0/174868) total alleles studied. The highest observed frequency was <0.001% (/) of alleles. Based on insufficient or conflicting evidence, the clinical significance of this alteration remains unclear.

NM_001348768.2(HECW2):c.4476A>C (p.Gln1492His)

Gene: HECW2 (HECT, C2 and WW domain containing E3 ubiquitin protein ligase 2; minus strand). Cytogenetic location: 2q32.3.
Variant type: single nucleotide variant.
Coding change: c.4476A>C on transcript NM_001348768.2 (MANE Select); coding-DNA position 4476, A replaced by C.
Protein change: p.Gln1492His; replaces glutamine 1492 with histidine.
Molecular consequence: missense variant.
Genome position (GRCh38, 1-based): chr2:196,217,026, T>G on the plus strand (A>C on the coding strand, the complement: HECW2 is on the minus strand). VCF-style: chr2-196217026-T-G. GRCh37 (hg19) VCF-style: chr2-197081750-T-G.
Other names: c.3408A>C, p.Gln1136His (NM_001304840.3); c.4476A>C, p.Gln1492His (NM_020760.4); short protein forms Q1136H, Q1492H.
Identifiers: ClinVar variation 4858331 (VCV004858331.1).